The following is an entry in ClinVar:

ClinVar aggregate classification (germline): Uncertain significance (1 of 4 stars; one submission).

Conditions:
TH-deficient dopa-responsive dystonia. Also called: Tyrosine Hydroxylase-Deficient Dopa-Responsive Dystonia; Segawa syndrome, autosomal recessive; DYT-TH. Identifiers: Orphanet 101150, MedGen C2673535, MONDO:0011551, OMIM 605407.

Allele frequency attached by ClinVar (database versions not stated): TOPMed 0.00001.
gnomAD v4.1: 3 of 1,502,296 alleles (0.0002%); highest among the groups gnomAD compares: Non-Finnish European, 0.00027%; no homozygotes.

Submission:

Labcorp Genetics (formerly Invitae), Labcorp
Classification: Uncertain significance for TH-deficient dopa-responsive dystonia. Last evaluated: 2022-08-23. Review status: criteria provided, single submitter. Criteria: Invitae Variant Classification Sherloc (09022015). Collection method: clinical testing. Allele origin: germline.
Comment: This sequence change replaces glutamic acid, which is acidic and polar, with lysine, which is basic and polar, at codon 516 of the TH protein (p.Glu516Lys). This variant is not present in population databases (gnomAD no frequency). This variant has not been reported in the literature in individuals affected with TH-related conditions. Algorithms developed to predict the effect of missense changes on protein structure and function (SIFT, PolyPhen-2, Align-GVGD) all suggest that this variant is likely to be disruptive. In summary, the available evidence is currently insufficient to determine the role of this variant in disease. Therefore, it has been classified as a Variant of Uncertain Significance.

NM_000360.4(TH):c.1453G>A (p.Glu485Lys)

Gene: TH (tyrosine hydroxylase; minus strand). Cytogenetic location: 11p15.5.
Variant type: single nucleotide variant.
Coding change: c.1453G>A on transcript NM_000360.4 (MANE Select); coding-DNA position 1453, G replaced by A.
Protein change: p.Glu485Lys; replaces glutamic acid 485 with lysine.
Molecular consequence: missense variant.
Genome position (GRCh38, 1-based): chr11:2,164,274, C>T on the plus strand (G>A on the coding strand, the complement: TH is on the minus strand). VCF-style: chr11-2164274-C-T. GRCh37 (hg19) VCF-style: chr11-2185504-C-T.
Other names: c.1546G>A, p.Glu516Lys (NM_199292.3); c.1534G>A, p.Glu512Lys (NM_199293.3); short protein forms E516K, E512K, E485K.
Identifiers: ClinVar variation 2170805 (VCV002170805.1), dbSNP rs1448099966, ClinGen allele CA379124090.
Genomic context (GRCh38, chr11:2,164,274, plus strand): 5'-CCTCAGGGACGCCGTGCACCTAGCCAATGGCACTCAGCGCATGGGCAAGGGTGTCCAGCT[C>T]ATCCTGGACACCCTCCAGGGAGCGCCGCACGGCCTGGGGGCTGTCCAGCACGTCGATGGC-3'
Protein context (NP_000351.2, residues 475-495): VRRSLEGVQD[Glu485Lys]LDTLAHALSA